The following is an entry in ClinVar:

ClinVar aggregate classification (germline): Uncertain significance (1 of 4 stars; one submission).

Conditions:
SLC44A4-related disorder. Also called: SLC44A4-related condition.

Submission:

PreventionGenetics, part of Exact Sciences
Classification: Uncertain significance for SLC44A4-related condition. Last evaluated: 2023-04-04. Review status: criteria provided, single submitter. Criteria: ACMG Guidelines, 2015. Collection method: clinical testing. Allele origin: germline.
Comment: The SLC44A4 c.383dupG variant is predicted to result in a frameshift and premature protein termination (p.Asn130Lysfs*69). To our knowledge, this variant has not been reported in the literature or in a large population database, indicating this variant is rare. At this time, the clinical significance of this variant is uncertain due to the absence of conclusive functional and genetic evidence.

NM_025257.3(SLC44A4):c.383dup (p.Asn130fs)

Gene: SLC44A4 (solute carrier family 44 member 4; minus strand). Cytogenetic location: 6p21.33.
Variant type: Duplication.
Coding change: c.383dup on transcript NM_025257.3 (MANE Select); coding-DNA position 383, one base duplicated (G; older notation c.383dupG).
Protein change: p.Asn130fs; shifts the reading frame from asparagine 130.
Molecular consequence: frameshift variant. On other transcripts: intron variant (1).
Genome position (GRCh38, 1-based): chr6:31,874,806, C duplicated on the plus strand (G on the coding strand, the reverse complement: SLC44A4 is on the minus strand); the first of 3 consecutive C bases (chr6:31,874,806-31,874,808); duplicating any one gives the same sequence. VCF-style (leftmost placement, unchanged base first): chr6-31874805-T-TC. GRCh37 (hg19) VCF-style: chr6-31842582-T-TC.
Other names: c.155dup, p.Asn54fs (NM_001178045.2); c.381dup, p.Asn130Lysfs (NM_032794.1); c.342+123dup (NM_001178044.2); short protein forms N130fs, N54fs.
Identifiers: ClinVar variation 2633855 (VCV002633855.1), dbSNP rs2481519201, ClinGen allele CA2578571126.